The following is an entry in ClinVar:

ClinVar aggregate classification (germline): Likely benign (1 of 4 stars; one submission).

Allele frequency attached by ClinVar (database versions not stated): 1000 Genomes Project 0.00100; ExAC 0.00100; 1000 Genomes Project 30x 0.00109; ESP Exome Variant Server 0.00146.
gnomAD v4.1: 3,099 of 1,614,150 alleles (0.19%); highest among the groups gnomAD compares: Admixed American, 0.25%; 2 homozygotes.

Submission:

CeGaT Center for Human Genetics Tuebingen
Classification: Likely benign. Last evaluated: 2022-07-01. Review status: criteria provided, single submitter. Criteria: CeGaT Center For Human Genetics Tuebingen Variant Classification Criteria Version 2. Collection method: clinical testing. Allele origin: germline. Affected: yes. Observed: 1 variant allele.
Comment: DPEP2: BP4, BP7

NM_022355.4(DPEP2):c.510C>T (p.Thr170=)

Gene: DPEP2 (dipeptidase 2; minus strand). Cytogenetic location: 16q22.1.
Variant type: single nucleotide variant.
Coding change: c.510C>T on transcript NM_022355.4 (MANE Select); coding-DNA position 510, C replaced by T.
Protein change: p.Thr170=; no amino-acid change (threonine 170 retained).
Molecular consequence: synonymous variant. On other transcripts: non-coding transcript variant (1).
Genome position (GRCh38, 1-based): chr16:67,992,074, G>A on the plus strand (C>T on the coding strand, the complement: DPEP2 is on the minus strand). VCF-style: chr16-67992074-G-A. GRCh37 (hg19) VCF-style: chr16-68025977-G-A.
Other names: c.36C>T, p.Thr12= (NM_001324159.2); c.510C>T, p.Thr170= (NM_001369657.1).
Identifiers: ClinVar variation 2646649 (VCV002646649.24), dbSNP rs150749878, ClinGen allele CA8123214.